The following is an entry in ClinVar:

NM_003743.5(NCOA1):c.2559A>G (p.Ser853=)

Gene: NCOA1 (nuclear receptor coactivator 1; plus strand). Cytogenetic location: 2p23.3.
Variant type: single nucleotide variant.
Coding change: c.2559A>G on transcript NM_003743.5 (MANE Select); coding-DNA position 2559, A replaced by G.
Protein change: p.Ser853=; no amino-acid change (serine 853 retained).
Molecular consequence: synonymous variant.
Genome position (GRCh38, 1-based): chr2:24,711,071, A>G. VCF-style: chr2-24711071-A-G. GRCh37 (hg19) VCF-style: chr2-24933940-A-G.
Other names: c.2559A>G, p.Ser853= (NM_001362950.1, NM_001362952.1, NM_001362954.1 and 3 more transcripts).
Identifiers: ClinVar variation 4981218 (VCV004981218.1).

ClinVar aggregate classification (germline): Likely benign (1 of 4 stars; one submission).

Conditions:
NCOA1-related disorder. Also called: NCOA1-related condition.

gnomAD v4.1: 3 of 1,614,098 alleles (0.00019%); highest among the groups gnomAD compares: South Asian, 0.0022%; no homozygotes.

Submission:

PreventionGenetics, part of Exact Sciences
Classification: Likely benign for NCOA1-related condition. Last evaluated: 2025-03-13. Review status: criteria provided, single submitter. Criteria: ACMG Guidelines, 2015. Collection method: clinical testing. Allele origin: germline.
Comment: This variant is classified as likely benign based on ACMG/AMP sequence variant interpretation guidelines (Richards et al. 2015 PMID: 25741868, with internal and published modifications).